The following is an entry in ClinVar:

ClinVar aggregate classification (germline): Uncertain significance. Review status: criteria provided, multiple submitters, no conflicts (2 of 4 stars). 3 submissions from 3 submitters: Uncertain significance (3). Last evaluated 2025-09-01.

Conditions:
TTN-related disorder. Also called: TTN-related condition; TTN-related disease; TTN-related disorders.
Cardiovascular phenotype. Identifiers: MedGen CN230736.

Allele frequency attached by ClinVar (database versions not stated): gnomAD exomes 0.00001 and 0.00004; gnomAD 0.00003; TOPMed 0.00003; ExAC 0.00005; 1000 Genomes Project 30x 0.00016; 1000 Genomes Project 0.00020.
gnomAD v4.1: 23 of 1,613,814 alleles (0.0014%); highest among the groups gnomAD compares: African/African-American, 0.011%; no homozygotes.

Submissions (3):

PreventionGenetics, part of Exact Sciences
Classification: Uncertain significance for TTN-related condition. Last evaluated: 2025-09-01. Review status: criteria provided, single submitter. Criteria: ACMG Guidelines, 2015. Collection method: clinical testing. Allele origin: germline.
Comment: The TTN c.14305G>A variant is predicted to result in the amino acid substitution p.Glu4769Lys. To our knowledge, this variant has not been reported in the literature. This variant is reported in 0.026% of alleles in individuals of African descent in gnomAD. At this time, the clinical significance of this variant is uncertain due to the absence of conclusive functional and genetic evidence.

Ambry Genetics
Classification: Uncertain significance for Cardiovascular phenotype. Last evaluated: 2019-12-04. Review status: criteria provided, single submitter. Criteria: Ambry Variant Classification Scheme 2023. Collection method: clinical testing. Allele origin: germline.
Comment: The p.E4406K variant (also known as c.13216G>A), located in coding exon 45 of the TTN gene, results from a G to A substitution at nucleotide position 13216. The glutamic acid at codon 4406 is replaced by lysine, an amino acid with similar properties. This amino acid position is highly conserved in available vertebrate species. In addition, this alteration is predicted to be tolerated by in silico analysis. Since supporting evidence is limited at this time, the clinical significance of this alteration remains unclear.

Eurofins Ntd Llc (ga)
Classification: Uncertain significance. Last evaluated: 2016-12-01. Review status: criteria provided, single submitter. Criteria: EGL Classification Definitions 2015. Collection method: clinical testing. Allele origin: germline. Observed: 1 variant allele, 1 heterozygote.

NM_001267550.2(TTN):c.14305G>A (p.Glu4769Lys)

Gene: TTN (titin; minus strand). Cytogenetic location: 2q31.2.
Variant type: single nucleotide variant.
Coding change: c.14305G>A on transcript NM_001267550.2 (MANE Select); coding-DNA position 14305, G replaced by A.
Protein change: p.Glu4769Lys; replaces glutamic acid 4769 with lysine.
Molecular consequence: missense variant.
Genome position (GRCh38, 1-based): chr2:178,738,148, C>T on the plus strand (G>A on the coding strand, the complement: TTN is on the minus strand). VCF-style: chr2-178738148-C-T. GRCh37 (hg19) VCF-style: chr2-179602875-C-T.
Other names: c.13354G>A, p.Glu4452Lys (NM_001256850.1); c.13216G>A, p.Glu4406Lys (NM_003319.4); c.10573G>A, p.Glu3525Lys (NM_133378.4); c.13591G>A, p.Glu4531Lys (NM_133432.3); c.13792G>A, p.Glu4598Lys (NM_133437.4); short protein forms E3525K, E4769K, E4598K, E4406K, E4531K, E4452K.
Identifiers: ClinVar variation 498719 (VCV000498719.8), dbSNP rs566108422, ClinGen allele CA2002436.